The following is an entry in ClinVar:

NM_000363.5(TNNI3):c.597del (p.Ser199fs)

Gene: TNNI3 (troponin I3, cardiac type; minus strand). Cytogenetic location: 19q13.42.
Variant type: Deletion.
Coding change: c.597del on transcript NM_000363.5 (MANE Select); coding-DNA position 597, one base deleted (T; older notation c.597delT).
Protein change: p.Ser199fs; shifts the reading frame from serine 199.
Molecular consequence: frameshift variant.
Genome position (GRCh38, 1-based): chr19:55,151,870, A deleted on the plus strand (T on the coding strand, the reverse complement: TNNI3 is on the minus strand). VCF-style (leftmost placement, unchanged base first): chr19-55151869-CA-C. GRCh37 (hg19) VCF-style: chr19-55663237-CA-C.
Other names: short protein forms S199fs.
Identifiers: ClinVar variation 2016713 (VCV002016713.4), dbSNP rs2502899276, ClinGen allele CA2580097811.

ClinVar aggregate classification (germline): Uncertain significance (1 of 4 stars; one submission).

Conditions:
Hypertrophic cardiomyopathy. Also called: HYPERTROPHIC MYOCARDIOPATHY. Identifiers: Orphanet 217569, MedGen C0007194, MeSH D002312, MONDO:0005045, HP:0001639.

Submission:

Labcorp Genetics (formerly Invitae), Labcorp
Classification: Uncertain significance for Hypertrophic cardiomyopathy. Last evaluated: 2025-02-26. Review status: criteria provided, single submitter. Criteria: Invitae Variant Classification Sherloc (09022015). Collection method: clinical testing. Allele origin: germline.
Comment: This sequence change results in a frameshift in the TNNI3 gene (p.Ser199Argfs*22). While this is not anticipated to result in nonsense mediated decay, it is expected to disrupt the last 12 amino acid(s) of the TNNI3 protein and extend the protein by 9 additional amino acid residues. This variant is not present in population databases (gnomAD no frequency). This frameshift has been observed in individual(s) with hypertrophic cardiomyopathy (internal data). ClinVar contains an entry for this variant (Variation ID: 2016713). Experimental studies and prediction algorithms are not available or were not evaluated, and the functional significance of this variant is currently unknown. Algorithms developed to predict the effect of sequence changes on RNA splicing suggest that this variant may disrupt the consensus splice site. In summary, the available evidence is currently insufficient to determine the role of this variant in disease. Therefore, it has been classified as a Variant of Uncertain Significance.